The following is an entry in ClinVar:

ClinVar aggregate classification (germline): Likely pathogenic (1 of 4 stars; one submission).

Conditions:
Developmental delay with variable intellectual impairment and behavioral abnormalities. Identifiers: MedGen C5193092, MONDO:0032745, OMIM 618430.

Submission:

Women's Health and Genetics/Laboratory Corporation of America, LabCorp
Classification: Likely pathogenic for Developmental delay with variable intellectual impairment and behavioral abnormalities. Last evaluated: 2022-09-29. Review status: criteria provided, single submitter. Criteria: LabCorp Variant Classification Summary - May 2015. Collection method: clinical testing. Allele origin: germline.
Comment: Variant summary: TCF20 c.2594C>A (p.Ser865X) results in a premature termination codon, predicted to cause a truncation of the encoded protein or absence of the protein due to nonsense mediated decay, which are commonly known mechanisms for disease. Truncations downstream of this position are cited as pathogenic and disease-associated in ClinVar and HGMD. The variant was absent in 251390 control chromosomes (gnomAD). To our knowledge, no occurrence of c.2594C>A in individuals affected with Developmental Delay With Variable Intellectual Impairment And Behavioral Abnormalities and no experimental evidence demonstrating its impact on protein function have been reported. However, a different nucleotide change at the same position leading to the same protein effect (i.e. c.2594C>G, p.Ser865X) has been reported in at least one individual affected with developmental delay/intellectual disability, autism spectrum disorder/autistic features and dysmorphic craniofacial features (PMID: 30739909) and is cited in ClinVar as pathogenic (Variation ID: 590778). No clinical diagnostic laboratories have submitted clinical-significance assessments for c.2594C>A to ClinVar after 2014. Based on the evidence outlined above, the variant was classified as likely pathogenic.

NM_001378418.1(TCF20):c.2594C>A (p.Ser865Ter)

Gene: TCF20 (transcription factor 20; minus strand). Cytogenetic location: 22q13.2.
Variant type: single nucleotide variant.
Coding change: c.2594C>A on transcript NM_001378418.1 (MANE Select); coding-DNA position 2594, C replaced by A.
Protein change: p.Ser865Ter; replaces serine 865 with a stop codon.
Molecular consequence: nonsense.
Genome position (GRCh38, 1-based): chr22:42,212,712, G>T on the plus strand (C>A on the coding strand, the complement: TCF20 is on the minus strand). VCF-style: chr22-42212712-G-T. GRCh37 (hg19) VCF-style: chr22-42608718-G-T.
Other names: c.2594C>A, p.Ser865Ter (NM_005650.4, NM_181492.3); short protein forms S865*.
Identifiers: ClinVar variation 1722411 (VCV001722411.1), dbSNP rs1569149539, ClinGen allele CA411788309.